The following is an entry in ClinVar:

NM_025144.4(ALPK1):c.557A>G (p.Glu186Gly)

Gene: ALPK1 (alpha kinase 1; plus strand). Cytogenetic location: 4q25.
Variant type: single nucleotide variant.
Coding change: c.557A>G on transcript NM_025144.4 (MANE Select); coding-DNA position 557, A replaced by G.
Protein change: p.Glu186Gly; replaces glutamic acid 186 with glycine.
Molecular consequence: missense variant.
Genome position (GRCh38, 1-based): chr4:112,425,686, A>G. VCF-style: chr4-112425686-A-G. GRCh37 (hg19) VCF-style: chr4-113346842-A-G.
Other names: c.557A>G (NM_025144.3); c.557A>G, p.Glu186Gly (NM_001102406.2); c.323A>G, p.Glu108Gly (NM_001253884.2); short protein forms E108G, E186G.
Identifiers: ClinVar variation 1897010 (VCV001897010.6), dbSNP rs373046330, ClinGen allele CA3046449.

ClinVar aggregate classification (germline): Uncertain significance. Review status: criteria provided, multiple submitters, no conflicts (2 of 4 stars). 2 submissions from 2 submitters: Uncertain significance (2). Last evaluated 2025-02-10.

Conditions:
Inborn genetic diseases. Identifiers: MedGen C0950123, MeSH D030342.

Allele frequency attached by ClinVar (database versions not stated): gnomAD 0.00002; ExAC 0.00003; TOPMed 0.00003; ESP Exome Variant Server 0.00015.

Submissions (2):

Labcorp Genetics (formerly Invitae), Labcorp
Classification: Uncertain significance. Last evaluated: 2025-02-10. Review status: criteria provided, single submitter. Criteria: Invitae Variant Classification Sherloc (09022015). Collection method: clinical testing. Allele origin: germline.
Comment: This sequence change replaces glutamic acid, which is acidic and polar, with glycine, which is neutral and non-polar, at codon 186 of the ALPK1 protein (p.Glu186Gly). This variant is present in population databases (rs373046330, gnomAD 0.005%). This variant has not been reported in the literature in individuals affected with ALPK1-related conditions. ClinVar contains an entry for this variant (Variation ID: 1897010). Invitae Evidence Modeling of protein sequence and biophysical properties (such as structural, functional, and spatial information, amino acid conservation, physicochemical variation, residue mobility, and thermodynamic stability) indicates that this missense variant is expected to disrupt ALPK1 protein function with a positive predictive value of 80%. In summary, the available evidence is currently insufficient to determine the role of this variant in disease. Therefore, it has been classified as a Variant of Uncertain Significance.

Ambry Genetics
Classification: Uncertain significance for Inborn genetic diseases. Last evaluated: 2024-02-13. Review status: criteria provided, single submitter. Criteria: Ambry Variant Classification Scheme 2023. Collection method: clinical testing. Allele origin: germline.